The following is an entry in ClinVar:

ClinVar aggregate classification (germline): Uncertain significance. Review status: criteria provided, multiple submitters, no conflicts (2 of 4 stars). 2 submissions from 2 submitters: Uncertain significance (2). Last evaluated 2025-04-23.

Conditions:
Saldino-Mainzer syndrome (SRTD9). Also called: CONORENAL SYNDROME; Renal dysplasia, retinal pigmentary dystrophy, cerebellar ataxia and skeletal dysplasia; SHORT-RIB THORACIC DYSPLASIA 9 WITHOUT POLYDACTYLY; short-rib thoracic dysplasia 9 with or without polydactyly. Identifiers: Orphanet 140969, MedGen C1849437, MONDO:0009964, OMIM 266920.
Retinitis pigmentosa 80 (RP80). Identifiers: MedGen C4540439, MONDO:0054708, OMIM 617781.

gnomAD v4.1: 7 of 1,609,370 alleles (0.00043%); highest among the groups gnomAD compares: Admixed American, 0.0068%; no homozygotes.

Submissions (2):

Labcorp Genetics (formerly Invitae), Labcorp
Classification: Uncertain significance for Saldino-Mainzer syndrome. Last evaluated: 2025-04-23. Review status: criteria provided, single submitter. Criteria: Invitae Variant Classification Sherloc (09022015). Collection method: clinical testing. Allele origin: germline.
Comment: This sequence change replaces arginine, which is basic and polar, with proline, which is neutral and non-polar, at codon 550 of the IFT140 protein (p.Arg550Pro). This variant is present in population databases (rs762399912, gnomAD 0.01%). This variant has not been reported in the literature in individuals affected with IFT140-related conditions. ClinVar contains an entry for this variant (Variation ID: 1398443). Invitae Evidence Modeling of protein sequence and biophysical properties (such as structural, functional, and spatial information, amino acid conservation, physicochemical variation, residue mobility, and thermodynamic stability) has been performed for this missense variant. However, the output from this modeling did not meet the statistical confidence thresholds required to predict the impact of this variant on IFT140 protein function. In summary, the available evidence is currently insufficient to determine the role of this variant in disease. Therefore, it has been classified as a Variant of Uncertain Significance.

Fulgent Genetics
Classification: Uncertain significance for Saldino-Mainzer syndrome; Retinitis pigmentosa 80. Last evaluated: 2021-09-02. Review status: criteria provided, single submitter. Criteria: ACMG Guidelines, 2015. Collection method: clinical testing. Allele origin: unknown.

NM_014714.4(IFT140):c.1649G>C (p.Arg550Pro)

Gene: IFT140 (intraflagellar transport 140; minus strand). Cytogenetic location: 16p13.3.
Variant type: single nucleotide variant.
Coding change: c.1649G>C on transcript NM_014714.4 (MANE Select); coding-DNA position 1649, G replaced by C.
Protein change: p.Arg550Pro; replaces arginine 550 with proline.
Molecular consequence: missense variant.
Genome position (GRCh38, 1-based): chr16:1,571,410, C>G on the plus strand (G>C on the coding strand, the complement: IFT140 is on the minus strand). VCF-style: chr16-1571410-C-G. GRCh37 (hg19) VCF-style: chr16-1621411-C-G.
Other names: short protein forms R550P.
Identifiers: ClinVar variation 1398443 (VCV001398443.6), dbSNP rs762399912, ClinGen allele CA7814204.
Genomic context (GRCh38, chr16:1,571,410, plus strand): 5'-ACTGTCTCCTGACTGACTAAAAAAATGTTCACACTTCTATTTGGAAAAAAAATTTACCTT[C>G]GGGAAAGATCAAAGCTTTTAAAGTGAGCCAAGTCTGTCCCTACAACCAGGAAATTCCCAC-3'
Protein context (NP_055529.2, residues 540-560): LAHFKSFDLS[Arg550Pro]REAKAHCSCR